The following is an entry in ClinVar:

NM_002834.5(PTPN11):c.538G>A (p.Asp180Asn)

Gene: PTPN11 (protein tyrosine phosphatase non-receptor type 11; plus strand). Cytogenetic location: 12q24.13.
Variant type: single nucleotide variant.
Coding change: c.538G>A on transcript NM_002834.5 (MANE Select); coding-DNA position 538, G replaced by A.
Protein change: p.Asp180Asn; replaces aspartic acid 180 with asparagine.
Molecular consequence: missense variant.
Genome position (GRCh38, 1-based): chr12:112,454,576, G>A. VCF-style: chr12-112454576-G-A. GRCh37 (hg19) VCF-style: chr12-112892380-G-A.
Other names: c.538G>A, p.Asp180Asn (NM_001330437.2, NM_080601.3); c.535G>A, p.Asp179Asn (NM_001374625.1); short protein forms D180N, D179N.
Identifiers: ClinVar variation 2066321 (VCV002066321.5), dbSNP rs2135869320, ClinGen allele CA386782205.
Genomic context (GRCh38, chr12:112,454,576, plus strand): 5'-GTAACATAAAGGTAACAAATAATAAATGTCATGTGTTTATCTTGAAAGGAACTGAAATAC[G>A]ACGTTGGTGGAGGAGAACGGTTTGATTCTTTGACAGATCTTGTGGAACATTATAAGAAGA-3'
Protein context (NP_002825.3, residues 170-190): VMIRCQELKY[Asp180Asn]VGGGERFDSL

ClinVar aggregate classification (germline): Uncertain significance. Review status: criteria provided, multiple submitters, no conflicts (2 of 4 stars). 2 submissions from 2 submitters: Uncertain significance (2). Last evaluated 2022-09-15.

Conditions:
RASopathy. Also called: Noonan spectrum disorder; rasopathies. Identifiers: Orphanet 536391, MedGen C5555857, MONDO:0021060.

Submissions (2):

GeneDx
Classification: Uncertain significance. Last evaluated: 2022-09-15. Review status: criteria provided, single submitter. Criteria: GeneDx Variant Classification Process June 2021. Collection method: clinical testing. Allele origin: germline. Affected: yes.
Comment: Not observed at significant frequency in large population cohorts (gnomAD); Missense variants in this gene are often considered pathogenic (HGMD); In silico analysis supports that this missense variant has a deleterious effect on protein structure/function; Has not been previously published as pathogenic or benign to our knowledge; This variant is associated with the following publications: (PMID: 29493581)

Labcorp Genetics (formerly Invitae), Labcorp
Classification: Uncertain significance for RASopathy. Last evaluated: 2021-12-30. Review status: criteria provided, single submitter. Criteria: Invitae Variant Classification Sherloc (09022015). Collection method: clinical testing. Allele origin: germline.
Comment: In summary, the available evidence is currently insufficient to determine the role of this variant in disease. Therefore, it has been classified as a Variant of Uncertain Significance. Advanced modeling of protein sequence and biophysical properties (such as structural, functional, and spatial information, amino acid conservation, physicochemical variation, residue mobility, and thermodynamic stability) performed at Invitae indicates that this missense variant is expected to disrupt PTPN11 protein function. This variant has not been reported in the literature in individuals affected with PTPN11-related conditions. This variant is not present in population databases (gnomAD no frequency). This sequence change replaces aspartic acid, which is acidic and polar, with asparagine, which is neutral and polar, at codon 180 of the PTPN11 protein (p.Asp180Asn).